The following is an entry in ClinVar:

NM_032043.3(BRIP1):c.1604A>G (p.Asp535Gly)

Gene: BRIP1 (BRCA1 interacting DNA helicase 1; minus strand). Cytogenetic location: 17q23.2.
Variant type: single nucleotide variant.
Coding change: c.1604A>G on transcript NM_032043.3 (MANE Select); coding-DNA position 1604, A replaced by G.
Protein change: p.Asp535Gly; replaces aspartic acid 535 with glycine.
Molecular consequence: missense variant.
Genome position (GRCh38, 1-based): chr17:61,784,294, T>C on the plus strand (A>G on the coding strand, the complement: BRIP1 is on the minus strand). VCF-style: chr17-61784294-T-C. GRCh37 (hg19) VCF-style: chr17-59861655-T-C.
Other names: short protein forms D535G.
Identifiers: ClinVar variation 4216282 (VCV004216282.1).

ClinVar aggregate classification (germline): Uncertain significance (1 of 4 stars; one submission).

Conditions:
Hereditary cancer-predisposing syndrome. Also called: Hereditary Cancer Syndrome; Hereditary neoplastic syndrome; Neoplastic Syndromes, Hereditary; Tumor predisposition. Identifiers: Orphanet 140162, MedGen C0027672, MeSH D009386, MONDO:0015356.

Submission:

Ambry Genetics
Classification: Uncertain significance for Hereditary cancer-predisposing syndrome. Last evaluated: 2025-08-29. Review status: criteria provided, single submitter. Criteria: Ambry Variant Classification Scheme 2023. Collection method: clinical testing. Allele origin: germline.
Comment: The p.D535G variant (also known as c.1604A>G), located in coding exon 10 of the BRIP1 gene, results from an A to G substitution at nucleotide position 1604. The aspartic acid at codon 535 is replaced by glycine, an amino acid with similar properties. This amino acid position is conserved. In addition, this alteration is predicted to be tolerated by in silico analysis. Based on the available evidence, the clinical significance of this variant remains unclear.